The following is an entry in ClinVar:

ClinVar aggregate classification (germline): Likely benign. Review status: criteria provided, single submitter (1 of 4 stars). 2 submissions from 2 submitters: Likely benign (1). 1 of the submissions does not count toward it. Last evaluated 2025-01-08.

Conditions:
NR0B2-related disorder. Also called: NR0B2-related condition.

Allele frequency attached by ClinVar (database versions not stated): ExAC 0.00004; gnomAD exomes 0.00004; gnomAD 0.00005; TOPMed 0.00006.
gnomAD v4.1: 62 of 1,496,022 alleles (0.0041%); highest among the groups gnomAD compares: African/African-American, 0.007%; no homozygotes.

Submissions (2):

Labcorp Genetics (formerly Invitae), Labcorp
Classification: Likely benign. Last evaluated: 2025-01-08. Review status: criteria provided, single submitter. Criteria: Invitae Variant Classification Sherloc (09022015). Collection method: clinical testing. Allele origin: germline.

PreventionGenetics, part of Exact Sciences
Classification: Likely benign for NR0B2-related condition. Last evaluated: 2023-10-10. Review status: no assertion criteria provided. Collection method: clinical testing. Allele origin: germline. Not counted in ClinVar's aggregate classification.
Comment: This variant is classified as likely benign based on ACMG/AMP sequence variant interpretation guidelines (Richards et al. 2015 PMID: 25741868, with internal and published modifications).

NM_021969.3(NR0B2):c.66C>T (p.Tyr22=)

Genes: NUDC (nuclear distribution C, dynein complex regulator; plus strand), NR0B2 (nuclear receptor subfamily 0 group B member 2; minus strand). Cytogenetic location: 1p36.11.
Variant type: single nucleotide variant.
Coding change: c.66C>T on transcript NM_021969.3 (MANE Select); coding-DNA position 66, C replaced by T.
Protein change: p.Tyr22=; no amino-acid change (tyrosine 22 retained).
Molecular consequence: synonymous variant.
Genome position (GRCh38, 1-based): chr1:26,913,875, G>A on the plus strand (C>T on the coding strand, the complement: NR0B2 is on the minus strand). VCF-style: chr1-26913875-G-A. GRCh37 (hg19) VCF-style: chr1-27240366-G-A.
Identifiers: ClinVar variation 3037089 (VCV003037089.4), dbSNP rs779787925, ClinGen allele CA709738.